The following is an entry in ClinVar:

ClinVar aggregate classification (germline): Uncertain significance (1 of 4 stars; one submission).

Conditions:
Cardiovascular phenotype. Identifiers: MedGen CN230736.

Submission:

Ambry Genetics
Classification: Uncertain significance for Cardiovascular phenotype. Last evaluated: 2025-09-14. Review status: criteria provided, single submitter. Criteria: Ambry Variant Classification Scheme 2023. Collection method: clinical testing. Allele origin: germline.
Comment: The p.I488L variant (also known as c.1462A>C), located in coding exon 13 of the PTPN11 gene, results from an A to C substitution at nucleotide position 1462. The isoleucine at codon 488 is replaced by leucine, an amino acid with highly similar properties. This amino acid position is conserved. In addition, this alteration is predicted to be deleterious by in silico analysis. Based on the available evidence, the clinical significance of this variant remains unclear.

NM_002834.5(PTPN11):c.1462A>C (p.Ile488Leu)

Gene: PTPN11 (protein tyrosine phosphatase non-receptor type 11; plus strand). Cytogenetic location: 12q24.13.
Variant type: single nucleotide variant.
Coding change: c.1462A>C on transcript NM_002834.5 (MANE Select); coding-DNA position 1462, A replaced by C.
Protein change: p.Ile488Leu; replaces isoleucine 488 with leucine.
Molecular consequence: missense variant.
Genome position (GRCh38, 1-based): chr12:112,489,038, A>C. VCF-style: chr12-112489038-A-C. GRCh37 (hg19) VCF-style: chr12-112926842-A-C.
Other names: c.1474A>C, p.Ile492Leu (NM_001330437.2); c.1459A>C, p.Ile487Leu (NM_001374625.1); short protein forms I487L, I492L, I488L.
Identifiers: ClinVar variation 4147387 (VCV004147387.1).
Genomic context (GRCh38, chr12:112,489,038, plus strand): 5'-CTGGCTCTGCAGTTTCTCTTTATTCTTCATGATGTTTCCTTCGTAGGTGTTGACTGCGAT[A>C]TTGACGTTCCCAAAACCATCCAGATGGTGCGGTCTCAGAGGTCAGGGATGGTCCAGACAG-3'
Protein context (NP_002825.3, residues 478-498): IIREKGVDCD[Ile488Leu]DVPKTIQMVR